The following is an entry in ClinVar:

NM_006623.4(PHGDH):c.182_184delinsGCCTT (p.Ala61fs)

Gene: PHGDH (phosphoglycerate dehydrogenase; plus strand). Cytogenetic location: 1p12.
Variant type: Indel.
Coding change: c.182_184delinsGCCTT on transcript NM_006623.4 (MANE Select); coding-DNA positions 182 to 184, CTG replaced by GCCTT.
Protein change: p.Ala61fs; shifts the reading frame from alanine 61.
Molecular consequence: frameshift variant.
Genome position (GRCh38, 1-based): chr1:119,721,213-119,721,215, CTG replaced by GCCTT. VCF-style: chr1-119721213-CTG-GCCTT. GRCh37 (hg19) VCF-style: chr1-120263836-CTG-GCCTT.
Other names: short protein forms A61fs.
Identifiers: ClinVar variation 5011193 (VCV005011193.1).

ClinVar aggregate classification (germline): Pathogenic (1 of 4 stars; one submission).

Conditions:
Neurometabolic disorder due to serine deficiency. Identifiers: Orphanet 35705, MedGen C5680148, MONDO:0018162.

Submission:

Myriad Genetics, Inc.
Classification: Pathogenic for Neurometabolic disorder due to serine deficiency. Last evaluated: 2024-05-14. Review status: criteria provided, single submitter. Criteria: Myriad Autosomal Dominant, Autosomal Recessive and X-Linked Classification Criteria (2023). Collection method: clinical testing. Allele origin: unknown.
Comment: NM_006623.3(PHGDH):c.182_184del3ins5(A61Gfs*37) is expected to be pathogenic in the context of serine deficiency disorder, PHGDH-related. This variant is predicted to lead to an abnormal or absent protein product due to the creation of a premature termination codon in PHGDH, a gene where loss-of-function variants are known to be pathogenic. Please note: this variant was assessed in the context of healthy population screening.